The following is an entry in ClinVar:

NM_001252024.2(TRPM1):c.3549G>C (p.Gln1183His)

Genes: TRPM1 (transient receptor potential cation channel subfamily M member 1; minus strand), TRPM1-AS1 (TRPM1 antisense RNA 1; plus strand), LOC126862088 (BRD4-independent group 4 enhancer GRCh37_chr15:31318084-31319283; plus strand). Cytogenetic location: 15q13.3.
Variant type: single nucleotide variant.
Coding change: c.3549G>C on transcript NM_001252024.2 (MANE Select); coding-DNA position 3549, G replaced by C.
Protein change: p.Gln1183His; replaces glutamine 1183 with histidine.
Molecular consequence: missense variant.
Genome position (GRCh38, 1-based): chr15:31,026,219, C>G on the plus strand (G>C on the coding strand, the complement: TRPM1 is on the minus strand). VCF-style: chr15-31026219-C-G. GRCh37 (hg19) VCF-style: chr15-31318422-C-G.
Other names: c.3600G>C, p.Gln1200His (NM_001252020.2); c.3483G>C, p.Gln1161His (NM_002420.6); short protein forms Q1161H, Q1200H, Q1183H.
Identifiers: ClinVar variation 167747 (VCV000167747.58), dbSNP rs182549235, ClinGen allele CA180465.

ClinVar aggregate classification (germline): Likely benign. Review status: criteria provided, multiple submitters, no conflicts (2 of 4 stars). 7 submissions from 7 submitters: Likely benign (5). 2 of the submissions do not count toward it. Last evaluated 2026-01-26.

Conditions:
Congenital stationary night blindness 1C. Also called: Night blindness, congenital stationary (complete), 1C, autosomal recessive. Identifiers: Orphanet 215, MedGen C2750747, MONDO:0013183, OMIM 613216.

Allele frequency attached by ClinVar (database versions not stated): gnomAD 0.00354 and 0.00350; ExAC 0.00371; 1000 Genomes Project 0.00120; 1000 Genomes Project 30x 0.00141; ESP Exome Variant Server 0.00323; TOPMed 0.00318; gnomAD exomes 0.00364.
gnomAD v4.1: 8,069 of 1,612,564 alleles (0.5%); highest among the groups gnomAD compares: Non-Finnish European, 0.59%; 28 homozygotes.

Submissions (7):

Labcorp Genetics (formerly Invitae), Labcorp
Classification: Likely benign. Last evaluated: 2026-01-26. Review status: criteria provided, single submitter. Criteria: Invitae Variant Classification Sherloc (09022015). Collection method: clinical testing. Allele origin: germline.

CeGaT Center for Human Genetics Tuebingen
Classification: Likely benign. Last evaluated: 2025-09-01. Review status: criteria provided, single submitter. Criteria: CeGaT Center For Human Genetics Tuebingen Variant Classification Criteria Version 2. Collection method: clinical testing. Allele origin: germline. Affected: yes. Observed: 3 variant alleles.
Comment: TRPM1: BP4, BS2

Blueprint Genetics
Classification: Likely benign. Last evaluated: 2024-11-25. Review status: criteria provided, single submitter. Criteria: ACMG Guidelines, 2015. Collection method: clinical testing. Allele origin: germline.

Illumina Laboratory Services, Illumina
Classification: Likely benign for Congenital stationary night blindness 1C. Last evaluated: 2018-01-13. Review status: criteria provided, single submitter. Criteria: ICSL Variant Classification Criteria 13 December 2019. Collection method: clinical testing. Allele origin: germline.
Comment: This variant was observed in the ICSL laboratory as part of a predisposition screen in an ostensibly healthy population. It had not been previously curated by ICSL or reported in the Human Gene Mutation Database (HGMD: prior to June 1st, 2018), and was therefore a candidate for classification through an automated scoring system. Utilizing variant allele frequency, disease prevalence and penetrance estimates, and inheritance mode, an automated score was calculated to assess if this variant is too frequent to cause the disease. Based on the score and internal cut-off values, a variant classified as likely benign is not then subjected to further curation. The score for this variant resulted in a classification of likely benign for this disease.

Eurofins Ntd Llc (ga)
Classification: Likely benign. Last evaluated: 2015-04-28. Review status: criteria provided, single submitter. Criteria: EGL Classification Definitions 2015. Collection method: clinical testing. Allele origin: germline. Observed: 2 variant alleles, 2 heterozygotes.

Clinical Genetics DNA and cytogenetics Diagnostics Lab, Erasmus MC, Erasmus Medical Center
Classification: Likely benign. Review status: no assertion criteria provided. Collection method: clinical testing. Allele origin: germline. Affected: yes. Study: VKGL Data-share Consensus. Not counted in ClinVar's aggregate classification.

Clinical Genetics, Academic Medical Center
Classification: Likely benign. Review status: no assertion criteria provided. Collection method: clinical testing. Allele origin: germline. Affected: yes. Study: VKGL Data-share Consensus. Not counted in ClinVar's aggregate classification.

Literature cited by the submitters: PubMed 19896113 (cited by Eurofins Ntd Llc (ga)).